The following is an entry in ClinVar:

ClinVar aggregate classification (germline): Uncertain significance (1 of 4 stars; one submission).

Submission:

GeneDx
Classification: Uncertain significance. Last evaluated: 2025-05-19. Review status: criteria provided, single submitter. Criteria: GeneDx Variant Classification Process June 2021. Collection method: clinical testing. Allele origin: germline. Affected: yes.
Comment: Not observed at significant frequency in large population cohorts (gnomAD); In silico analysis supports that this missense variant has a deleterious effect on protein structure/function; Has not been previously published as pathogenic or benign to our knowledge

NM_000384.3(APOB):c.6356C>T (p.Pro2119Leu)

Gene: APOB (apolipoprotein B; minus strand). Cytogenetic location: 2p24.1.
Variant type: single nucleotide variant.
Coding change: c.6356C>T on transcript NM_000384.3 (MANE Select); coding-DNA position 6356, C replaced by T.
Protein change: p.Pro2119Leu; replaces proline 2119 with leucine.
Molecular consequence: missense variant.
Genome position (GRCh38, 1-based): chr2:21,010,512, G>A on the plus strand (C>T on the coding strand, the complement: APOB is on the minus strand). VCF-style: chr2-21010512-G-A. GRCh37 (hg19) VCF-style: chr2-21233384-G-A.
Other names: short protein forms P2119L.
Identifiers: ClinVar variation 4531009 (VCV004531009.1).